The following is an entry in ClinVar:

ClinVar aggregate classification (germline): Uncertain significance (1 of 4 stars; one submission).

Submission:

Labcorp Genetics (formerly Invitae), Labcorp
Classification: Uncertain significance. Last evaluated: 2021-06-19. Review status: criteria provided, single submitter. Criteria: Invitae Variant Classification Sherloc (09022015). Collection method: clinical testing. Allele origin: germline.
Comment: In summary, the available evidence is currently insufficient to determine the role of this variant in disease. Therefore, it has been classified as a Variant of Uncertain Significance. Algorithms developed to predict the effect of missense changes on protein structure and function are either unavailable or do not agree on the potential impact of this missense change (SIFT: "Not Available"; PolyPhen-2: "Benign"; Align-GVGD: "Not Available"). This sequence change replaces isoleucine with leucine at codon 185 of the CIB2 protein (p.Ile185Leu). The isoleucine residue is highly conserved and there is a small physicochemical difference between isoleucine and leucine. This variant is not present in population databases (ExAC no frequency). This variant has not been reported in the literature in individuals with CIB2-related conditions.

NM_006383.4(CIB2):c.553A>C (p.Ile185Leu)

Gene: CIB2 (calcium and integrin binding family member 2; minus strand). Cytogenetic location: 15q25.1.
Variant type: single nucleotide variant.
Coding change: c.553A>C on transcript NM_006383.4 (MANE Select); coding-DNA position 553, A replaced by C.
Protein change: p.Ile185Leu; replaces isoleucine 185 with leucine.
Molecular consequence: missense variant. On other transcripts: non-coding transcript variant (1).
Genome position (GRCh38, 1-based): chr15:78,105,322, T>G on the plus strand (A>C on the coding strand, the complement: CIB2 is on the minus strand). VCF-style: chr15-78105322-T-G. GRCh37 (hg19) VCF-style: chr15-78397664-T-G.
Other names: c.424A>C, p.Ile142Leu (NM_001271888.2); c.406A>C, p.Ile136Leu (NM_001271889.2); c.568A>C, p.Ile190Leu (NM_001301224.2); short protein forms I190L, I142L, I185L, I136L.
Identifiers: ClinVar variation 1362591 (VCV001362591.8), dbSNP rs1394187545, ClinGen allele CA393544175.